The following is an entry in ClinVar:

ClinVar aggregate classification (germline): Uncertain significance (1 of 4 stars; one submission).

Conditions:
Inborn genetic diseases. Identifiers: MedGen C0950123, MeSH D030342.

gnomAD v4.1: 1 of 1,613,558 alleles (0.000062%); highest among the groups gnomAD compares: African/African-American, 0.0013%; no homozygotes.

Submission:

Ambry Genetics
Classification: Uncertain significance for Inborn genetic diseases. Last evaluated: 2026-07-14. Review status: criteria provided, single submitter. Criteria: Ambry Variant Classification Scheme 2023. Collection method: clinical testing. Allele origin: germline.
Comment: The c.2422C>T (p.P808S) alteration is located in exon 20 (coding exon 20) of the KDM1A gene. This alteration results from a C to T substitution at nucleotide position 2422, causing the proline (P) at amino acid position 808 to be replaced by a serine (S). Based on data from gnomAD, the T allele has an overall frequency of <0.001% (1/250498) total alleles studied. The highest observed frequency was 0.006% (1/16252) of African alleles. Based on insufficient or conflicting evidence, the clinical significance of this alteration remains unclear.

NM_001009999.3(KDM1A):c.2422C>T (p.Pro808Ser)

Gene: KDM1A (lysine demethylase 1A; plus strand). Cytogenetic location: 1p36.12.
Variant type: single nucleotide variant.
Coding change: c.2422C>T on transcript NM_001009999.3 (MANE Select); coding-DNA position 2422, C replaced by T.
Protein change: p.Pro808Ser; replaces proline 808 with serine.
Molecular consequence: missense variant.
Genome position (GRCh38, 1-based): chr1:23,082,343, C>T. VCF-style: chr1-23082343-C-T. GRCh37 (hg19) VCF-style: chr1-23408836-C-T.
Other names: c.2368C>T, p.Pro790Ser (NM_001363654.2); c.2428C>T, p.Pro810Ser (NM_001410762.1); c.2350C>T, p.Pro784Ser (NM_001410763.1, NM_015013.4); short protein forms P808S, P784S, P810S, P790S.
Identifiers: ClinVar variation 4622646 (VCV004622646.2).